The following is an entry in ClinVar:

NM_000553.6(WRN):c.945_949del (p.Leu315fs)

Gene: WRN (WRN RecQ like helicase; plus strand). Cytogenetic location: 8p12.
Variant type: Deletion.
Coding change: c.945_949del on transcript NM_000553.6 (MANE Select); coding-DNA positions 945 to 949, 5 bases deleted (AAACT; older notation c.945_949delAAACT).
Protein change: p.Leu315fs; shifts the reading frame from leucine 315.
Molecular consequence: frameshift variant.
Genome position (GRCh38, 1-based): chr8:31,080,972-31,080,976, AAACT deleted; deleting any 5 consecutive bases within chr8:31,080,971-31,080,976 gives the same sequence; the c. name uses the placement nearest the transcript's 3' end. VCF-style (leftmost placement, unchanged base first): chr8-31080970-TTAAAC-T. GRCh37 (hg19) VCF-style: chr8-30938486-TTAAAC-T.
Other names: short protein forms L315fs.
Identifiers: ClinVar variation 1455409 (VCV001455409.6), dbSNP rs2130118163, ClinGen allele CA2573142702.

ClinVar aggregate classification (germline): Pathogenic (1 of 4 stars; one submission).

Conditions:
Werner syndrome (WRN). Identifiers: Orphanet 902, MedGen C0043119, MONDO:0010196, OMIM 277700.

Submission:

Labcorp Genetics (formerly Invitae), Labcorp
Classification: Pathogenic for Werner syndrome. Last evaluated: 2025-04-13. Review status: criteria provided, single submitter. Criteria: Invitae Variant Classification Sherloc (09022015). Collection method: clinical testing. Allele origin: germline.
Comment: This sequence change creates a premature translational stop signal (p.Leu315Phefs*5) in the WRN gene. It is expected to result in an absent or disrupted protein product. Loss-of-function variants in WRN are known to be pathogenic (PMID: 16673358). This variant is not present in population databases (gnomAD no frequency). This variant has not been reported in the literature in individuals affected with WRN-related conditions. ClinVar contains an entry for this variant (Variation ID: 1455409). For these reasons, this variant has been classified as Pathogenic.

Literature cited by the submitters: PubMed 16673358.